The following is an entry in ClinVar:

NM_000517.6(HBA2):c.300+1G>A

Genes: HBA2 (hemoglobin subunit alpha 2; plus strand), LOC106804612 (hemoglobin subunit alpha 2 recombination region; plus strand). Cytogenetic location: 16p13.3.
Variant type: single nucleotide variant.
Coding change: c.300+1G>A on transcript NM_000517.6 (MANE Select); the canonical splice donor site of the intron after coding-DNA position 300, G replaced by A.
Molecular consequence: splice donor variant.
Genome position (GRCh38, 1-based): chr16:173,330, G>A. VCF-style: chr16-173330-G-A. GRCh37 (hg19) VCF-style: chr16-223329-G-A.
Other names: c.300+1G>A (NM_000517.5).
Identifiers: ClinVar variation 2428679 (VCV002428679.5), dbSNP rs780091398, ClinGen allele CA393994321.

ClinVar aggregate classification (germline): Likely pathogenic. Review status: criteria provided, multiple submitters, no conflicts (2 of 4 stars). 3 submissions from 3 submitters: Likely pathogenic (2). 1 of the submissions does not count toward it. Last evaluated 2026-01-20.

Conditions:
alpha Thalassemia. Also called: Alpha thalassemia spectrum. Identifiers: Orphanet 846, MedGen C0002312, MONDO:0011399, OMIM 604131.

Allele frequency attached by ClinVar (database versions not stated): gnomAD exomes below 0.00001.
gnomAD v4.1: 2 of 1,582,072 alleles (0.00013%); highest among the groups gnomAD compares: African/African-American, 0.0015%; no homozygotes.

Submissions (3):

Natera, Inc.
Classification: Likely pathogenic for Alpha thalassemia. Last evaluated: 2026-01-20. Review status: criteria provided, single submitter. Criteria: Natera Variant Classification Schema (03/2026). Collection method: clinical testing. Allele origin: germline.
Comment: The c.300+1G>A variant in HBA2 is a canonical splice donor site variant predicted to affect pre-mRNA splicing, which may result in an abnormal transcript and altered protein product. This variant is expected to result in nonsense mediated decay, truncation, or a dysfunctional protein product. This variant is rare in the general population with a frequency below the threshold expected for the associated phenotype(s). Given the available evidence, this variant is classified as Likely Pathogenic.

ARUP Laboratories, Molecular Genetics and Genomics, ARUP Laboratories
Classification: Likely pathogenic. Last evaluated: 2022-05-25. Review status: criteria provided, single submitter. Criteria: ARUP Molecular Germline Variant Investigation Process 2021. Collection method: clinical testing. Allele origin: germline.
Comment: The HBA2 c.300+1G>A variant, to our knowledge, is not reported in the medical literature or gene specific databases. This variant is also absent from the Genome Aggregation Database, indicating it is not a common polymorphism. This variant disrupts the canonical splice donor site of intron two, which is likely to negatively impact gene function. Based on available information, this variant is considered to be likely pathogenic.

Department of Medical Genomics, Royal Prince Alfred Hospital
Classification: Pathogenic for alpha Thalassemia. Last evaluated: 2024-03-12. Review status: no assertion criteria provided. Collection method: clinical testing. Allele origin: germline. Inheritance: Autosomal dominant inheritance. Affected: yes. Not counted in ClinVar's aggregate classification.
Comment: Haemoglobin level, ferritin and HbA2 levels were normal. No Hb H inclusion detected. Screening for deletional alpha thalassaemia was negative.